The following is an entry in ClinVar:

NC_000006.12:g.84764703G>A

Genes: TBX18 (T-box transcription factor 18; minus strand), LOC121132696 (Sharpr-MPRA regulatory region 2176; plus strand). Cytogenetic location: 6q14.3.
Variant type: single nucleotide variant.
Genome position: GRCh38 VCF-style: chr6-84764703-G-A. GRCh37 (hg19) VCF-style: chr6-85474421-G-A.
Identifiers: ClinVar variation 3026043 (VCV003026043.22), dbSNP rs534947766, ClinGen allele CA142012180.

ClinVar aggregate classification (germline): Benign (1 of 4 stars; one submission).

Allele frequency attached by ClinVar (database versions not stated): 1000 Genomes Project 30x 0.00375; gnomAD 0.00491; TOPMed 0.00524; 1000 Genomes Project 0.00339.

Submission:

CeGaT Center for Human Genetics Tuebingen
Classification: Benign. Last evaluated: 2025-07-01. Review status: criteria provided, single submitter. Criteria: CeGaT Center For Human Genetics Tuebingen Variant Classification Criteria Version 2. Collection method: clinical testing. Allele origin: germline. Affected: yes. Observed: 4 variant alleles.
Comment: TBX18: BS1, BS2